The following is an entry in ClinVar:

ClinVar aggregate classification (germline): Uncertain significance (1 of 4 stars; one submission).

Submission:

Dasa
Classification: Uncertain significance. Last evaluated: 2025-06-10. Review status: criteria provided, single submitter. Criteria: DASA Assertion Criteria. Collection method: clinical testing. Allele origin: germline.
Comment: NM_000447.3(PSEN2):c.1040A>G (p.Tyr347Cys) is a missense variant that results in the substitution of tyrosine with cysteine. This variant is absent from population databases. The currently available literature and clinical evidence are not sufficient to establish a definitive association between this variant and the reported condition. Therefore, this variant is classified as a variant of uncertain significance.

NM_000447.3(PSEN2):c.1040A>G (p.Tyr347Cys)

Gene: PSEN2 (presenilin 2; plus strand). Cytogenetic location: 1q42.13.
Variant type: single nucleotide variant.
Coding change: c.1040A>G on transcript NM_000447.3 (MANE Select); coding-DNA position 1040, A replaced by G.
Protein change: p.Tyr347Cys; replaces tyrosine 347 with cysteine.
Molecular consequence: missense variant.
Genome position (GRCh38, 1-based): chr1:226,891,812, A>G. VCF-style: chr1-226891812-A-G. GRCh37 (hg19) VCF-style: chr1-227079513-A-G.
Other names: c.1040A>G, p.Tyr347Cys (NM_001437537.1); c.1037A>G, p.Tyr346Cys (NM_012486.3); short protein forms Y346C, Y347C.
Identifiers: ClinVar variation 4881634 (VCV004881634.2).